The following is an entry in ClinVar:

NM_001267550.2(TTN):c.107391A>C (p.Glu35797Asp)

Genes: TTN-AS1 (TTN antisense RNA 1; plus strand), TTN (titin; minus strand). Cytogenetic location: 2q31.2.
Variant type: single nucleotide variant.
Coding change: c.107391A>C on transcript NM_001267550.2 (MANE Select); coding-DNA position 107391, A replaced by C.
Protein change: p.Glu35797Asp; replaces glutamic acid 35797 with aspartic acid.
Molecular consequence: missense variant.
Genome position (GRCh38, 1-based): chr2:178,527,735, T>G on the plus strand (A>C on the coding strand, the complement: TTN is on the minus strand). VCF-style: chr2-178527735-T-G. GRCh37 (hg19) VCF-style: chr2-179392462-T-G.
Other names: c.102468A>C, p.Glu34156Asp (NM_001256850.1); c.80196A>C, p.Glu26732Asp (NM_003319.4); c.99687A>C, p.Glu33229Asp (NM_133378.4); c.80571A>C, p.Glu26857Asp (NM_133432.3); c.80772A>C, p.Glu26924Asp (NM_133437.4); short protein forms E26732D, E26924D, E33229D, E34156D, E35797D, E26857D.
Identifiers: ClinVar variation 2945061 (VCV002945061.3), dbSNP rs1360777397, ClinGen allele CA349401122.

ClinVar aggregate classification (germline): Uncertain significance (1 of 4 stars; one submission).

Conditions:
Dilated cardiomyopathy 1G (CMD1G). Identifiers: Orphanet 154, MedGen C1858763, MONDO:0011400, OMIM 604145.
Autosomal recessive limb-girdle muscular dystrophy type 2J (LGMDR10). Also called: Limb-girdle muscular dystrophy, type 2J; MUSCULAR DYSTROPHY, LIMB-GIRDLE, AUTOSOMAL RECESSIVE 10. Identifiers: Orphanet 140922, MedGen C1837342, MONDO:0012127, OMIM 608807.

Submission:

Labcorp Genetics (formerly Invitae), Labcorp
Classification: Uncertain significance for Dilated cardiomyopathy 1G; Autosomal recessive limb-girdle muscular dystrophy type 2J. Last evaluated: 2024-09-09. Review status: criteria provided, single submitter. Criteria: Invitae Variant Classification Sherloc (09022015). Collection method: clinical testing. Allele origin: germline.
Comment: This sequence change replaces glutamic acid, which is acidic and polar, with aspartic acid, which is acidic and polar, at codon 35797 of the TTN protein (p.Glu35797Asp). This variant is not present in population databases (gnomAD no frequency). This variant has not been reported in the literature in individuals affected with TTN-related conditions. Experimental studies and prediction algorithms are not available or were not evaluated, and the functional significance of this variant is currently unknown. In summary, the available evidence is currently insufficient to determine the role of this variant in disease. Therefore, it has been classified as a Variant of Uncertain Significance.